The following is an entry in ClinVar:

ClinVar aggregate classification (germline): Uncertain significance (1 of 4 stars; one submission).

gnomAD v4.1: 15 of 1,613,336 alleles (0.00093%); highest among the groups gnomAD compares: South Asian, 0.016%; no homozygotes.

Submission:

GeneDx
Classification: Uncertain significance. Last evaluated: 2025-08-15. Review status: criteria provided, single submitter. Criteria: GeneDx Variant Classification Process June 2021. Collection method: clinical testing. Allele origin: germline. Affected: yes.
Comment: Not observed at significant frequency in large population cohorts (gnomAD); Missense variant in a gene in which most reported pathogenic variants are truncating/loss of function; Has not been previously published as pathogenic or benign to our knowledge

NM_001267550.2(TTN):c.70870G>C (p.Val23624Leu)

Genes: TTN (titin; minus strand), TTN-AS1 (TTN antisense RNA 1; plus strand). Cytogenetic location: 2q31.2.
Variant type: single nucleotide variant.
Coding change: c.70870G>C on transcript NM_001267550.2 (MANE Select); coding-DNA position 70870, G replaced by C.
Protein change: p.Val23624Leu; replaces valine 23624 with leucine.
Molecular consequence: missense variant.
Genome position (GRCh38, 1-based): chr2:178,575,262, C>G on the plus strand (G>C on the coding strand, the complement: TTN is on the minus strand). VCF-style: chr2-178575262-C-G. GRCh37 (hg19) VCF-style: chr2-179439989-C-G.
Other names: c.65947G>C, p.Val21983Leu (NM_001256850.1); c.43675G>C, p.Val14559Leu (NM_003319.4); c.63166G>C, p.Val21056Leu (NM_133378.4); c.44050G>C, p.Val14684Leu (NM_133432.3); c.44251G>C, p.Val14751Leu (NM_133437.4); short protein forms V14559L, V14684L, V23624L, V21056L, V21983L, V14751L.
Identifiers: ClinVar variation 4795670 (VCV004795670.1).